The following is an entry in ClinVar:

ClinVar aggregate classification (germline): Uncertain significance (1 of 4 stars; one submission).

Allele frequency attached by ClinVar (database versions not stated): gnomAD 0.00001; ExAC 0.00002; TOPMed 0.00003.

Submission:

Labcorp Genetics (formerly Invitae), Labcorp
Classification: Uncertain significance. Last evaluated: 2022-06-02. Review status: criteria provided, single submitter. Criteria: Invitae Variant Classification Sherloc (09022015). Collection method: clinical testing. Allele origin: germline.
Comment: This sequence change replaces proline, which is neutral and non-polar, with leucine, which is neutral and non-polar, at codon 1081 of the CARMIL2 protein (p.Pro1081Leu). The frequency data for this variant in the population databases is considered unreliable, as metrics indicate poor data quality at this position in the gnomAD database. This variant has not been reported in the literature in individuals affected with CARMIL2-related conditions. Algorithms developed to predict the effect of missense changes on protein structure and function output the following: SIFT: "Tolerated"; PolyPhen-2: "Benign"; Align-GVGD: "Class C0". The leucine amino acid residue is found in multiple mammalian species, which suggests that this missense change does not adversely affect protein function. In summary, the available evidence is currently insufficient to determine the role of this variant in disease. Therefore, it has been classified as a Variant of Uncertain Significance.

NM_001013838.3(CARMIL2):c.3242C>T (p.Pro1081Leu)

Gene: CARMIL2 (capping protein regulator and myosin 1 linker 2; plus strand). Cytogenetic location: 16q22.1.
Variant type: single nucleotide variant.
Coding change: c.3242C>T on transcript NM_001013838.3 (MANE Select); coding-DNA position 3242, C replaced by T.
Protein change: p.Pro1081Leu; replaces proline 1081 with leucine.
Molecular consequence: missense variant.
Genome position (GRCh38, 1-based): chr16:67,654,352, C>T. VCF-style: chr16-67654352-C-T. GRCh37 (hg19) VCF-style: chr16-67688255-C-T.
Other names: c.3134C>T, p.Pro1045Leu (NM_001317026.3); short protein forms P1045L, P1081L.
Identifiers: ClinVar variation 1940736 (VCV001940736.2), dbSNP rs777560162, ClinGen allele CA8113978.